The following is an entry in ClinVar:

ClinVar aggregate classification (germline): Uncertain significance (1 of 4 stars; one submission).

Submission:

Labcorp Genetics (formerly Invitae), Labcorp
Classification: Uncertain significance. Last evaluated: 2024-11-05. Review status: criteria provided, single submitter. Criteria: Invitae Variant Classification Sherloc (09022015). Collection method: clinical testing. Allele origin: germline.
Comment: This sequence change replaces valine, which is neutral and non-polar, with glycine, which is neutral and non-polar, at codon 342 of the TNFAIP3 protein (p.Val342Gly). This variant is not present in population databases (gnomAD no frequency). This variant has not been reported in the literature in individuals affected with TNFAIP3-related conditions. ClinVar contains an entry for this variant (Variation ID: 2086771). Invitae Evidence Modeling of protein sequence and biophysical properties (such as structural, functional, and spatial information, amino acid conservation, physicochemical variation, residue mobility, and thermodynamic stability) indicates that this missense variant is not expected to disrupt TNFAIP3 protein function with a negative predictive value of 80%. In summary, the available evidence is currently insufficient to determine the role of this variant in disease. Therefore, it has been classified as a Variant of Uncertain Significance.

NM_001270508.2(TNFAIP3):c.1025T>G (p.Val342Gly)

Gene: TNFAIP3 (TNF alpha induced protein 3; plus strand). Cytogenetic location: 6q23.3.
Variant type: single nucleotide variant.
Coding change: c.1025T>G on transcript NM_001270508.2 (MANE Select); coding-DNA position 1025, T replaced by G.
Protein change: p.Val342Gly; replaces valine 342 with glycine.
Molecular consequence: missense variant.
Genome position (GRCh38, 1-based): chr6:137,878,470, T>G. VCF-style: chr6-137878470-T-G. GRCh37 (hg19) VCF-style: chr6-138199607-T-G.
Other names: c.1025T>G, p.Val342Gly (NM_001270507.2, NM_006290.4); short protein forms V342G.
Identifiers: ClinVar variation 2086771 (VCV002086771.4), dbSNP rs2482749550, ClinGen allele CA365788180.